The following is an entry in ClinVar:

NM_001143676.3(SGK1):c.362-998G>A

Genes: SGK1 (serum/glucocorticoid regulated kinase 1; minus strand), LOC123864072 (Sharpr-MPRA regulatory region 71; plus strand). Cytogenetic location: 6q23.2.
Variant type: single nucleotide variant.
Coding change: c.362-998G>A on transcript NM_001143676.3 (MANE Select); 998 bases into the intron before coding-DNA position 362, G replaced by A.
Molecular consequence: intron variant. On other transcripts: synonymous variant (1).
Genome position (GRCh38, 1-based): chr6:134,175,584, C>T on the plus strand (G>A on the coding strand, the complement: SGK1 is on the minus strand). VCF-style: chr6-134175584-C-T. GRCh37 (hg19) VCF-style: chr6-134496722-C-T.
Other names: c.78G>A, p.Glu26= (NM_001143678.2); c.161-998G>A (NM_001143677.2).
Identifiers: ClinVar variation 3025870 (VCV003025870.22), dbSNP rs745871016, ClinGen allele CA4009783.
Genomic context (GRCh38, chr6:134,175,584, plus strand): 5'-GGGCCGGCGGCGGCGCTTACCCAGTCCGCTCAGCAGGAAGGACTCGCTCCTTTTCTGCGC[C>T]TCGGCCCTCTTTTTGTGGCGGGGCCGCAGCAGGGACTCGAGCCGGGCTCTGGCCAGCGCG-3'

ClinVar aggregate classification (germline): Likely benign (1 of 4 stars; one submission).

Allele frequency attached by ClinVar (database versions not stated): gnomAD 0.00002; gnomAD exomes 0.00003; TOPMed 0.00008; ExAC 0.00042.
gnomAD v4.1: 46 of 1,568,720 alleles (0.0029%); highest among the groups gnomAD compares: Admixed American, 0.042%; no homozygotes.

Submission:

CeGaT Center for Human Genetics Tuebingen
Classification: Likely benign. Last evaluated: 2024-02-01. Review status: criteria provided, single submitter. Criteria: CeGaT Center For Human Genetics Tuebingen Variant Classification Criteria Version 2. Collection method: clinical testing. Allele origin: germline. Affected: yes. Observed: 1 variant allele.
Comment: SGK1: BP4